The following is an entry in ClinVar:

ClinVar aggregate classification (germline): Pathogenic (1 of 4 stars; one submission).

Conditions:
Fanconi anemia (FA). Also called: Fanconi's anemia. Identifiers: Orphanet 84, MedGen C0015625, MeSH D005199, MONDO:0019391.

Submission:

Labcorp Genetics (formerly Invitae), Labcorp
Classification: Pathogenic for Fanconi anemia. Last evaluated: 2022-06-10. Review status: criteria provided, single submitter. Criteria: Invitae Variant Classification Sherloc (09022015). Collection method: clinical testing. Allele origin: germline.
Comment: For these reasons, this variant has been classified as Pathogenic. This variant has not been reported in the literature in individuals affected with FANCA-related conditions. This variant is a gross deletion of the genomic region encompassing exon(s) 1-33 of the FANCA gene, which includes the initiator codon. This deletion extends beyond the assayed region for this gene and therefore may encompass additional genes. It is expected to result in an absent or disrupted protein product. Loss-of-function variants in FANCA are known to be pathogenic (PMID: 19367192).

Literature cited by the submitters: PubMed 19367192.

NC_000016.9:g.(?_89815049)_(89883033_?)del

Gene: FANCA (FA complementation group A; minus strand). Cytogenetic location: 16q24.3.
Variant type: Deletion.
Identifiers: ClinVar variation 2422406 (VCV002422406.4).